The following is an entry in ClinVar:

NM_003816.3(ADAM9):c.1532A>C (p.Tyr511Ser)

Gene: ADAM9 (ADAM metallopeptidase domain 9; plus strand). Cytogenetic location: 8p11.22.
Variant type: single nucleotide variant.
Coding change: c.1532A>C on transcript NM_003816.3 (MANE Select); coding-DNA position 1532, A replaced by C.
Protein change: p.Tyr511Ser; replaces tyrosine 511 with serine.
Molecular consequence: missense variant. On other transcripts: non-coding transcript variant (3).
Genome position (GRCh38, 1-based): chr8:39,055,713, A>C. VCF-style: chr8-39055713-A-C. GRCh37 (hg19) VCF-style: chr8-38913232-A-C.
Other names: short protein forms Y511S.
Identifiers: ClinVar variation 1041051 (VCV001041051.5), dbSNP rs560445503, ClinGen allele CA370743806.

ClinVar aggregate classification (germline): Uncertain significance (1 of 4 stars; one submission).

Submission:

Labcorp Genetics (formerly Invitae), Labcorp
Classification: Uncertain significance. Last evaluated: 2020-09-04. Review status: criteria provided, single submitter. Criteria: Invitae Variant Classification Sherloc (09022015). Collection method: clinical testing. Allele origin: germline.
Comment: This variant is not present in population databases (ExAC no frequency). This variant has not been reported in the literature in individuals with ADAM9-related conditions. Algorithms developed to predict the effect of missense changes on protein structure and function are either unavailable or do not agree on the potential impact of this missense change (SIFT: "Deleterious"; PolyPhen-2: "Probably Damaging"; Align-GVGD: "Class C0"). In summary, the available evidence is currently insufficient to determine the role of this variant in disease. Therefore, it has been classified as a Variant of Uncertain Significance. This sequence change replaces tyrosine with serine at codon 511 of the ADAM9 protein (p.Tyr511Ser). The tyrosine residue is highly conserved and there is a large physicochemical difference between tyrosine and serine.